The following is an entry in ClinVar:

NM_201384.3(PLEC):c.7030C>T (p.Arg2344Trp)

Gene: PLEC (plectin; minus strand). Cytogenetic location: 8q24.3.
Variant type: single nucleotide variant.
Coding change: c.7030C>T on transcript NM_201384.3 (MANE Select); coding-DNA position 7030, C replaced by T.
Protein change: p.Arg2344Trp; replaces arginine 2344 with tryptophan.
Molecular consequence: missense variant.
Genome position (GRCh38, 1-based): chr8:143,922,899, G>A on the plus strand (C>T on the coding strand, the complement: PLEC is on the minus strand). VCF-style: chr8-143922899-G-A. GRCh37 (hg19) VCF-style: chr8-144997067-G-A.
Other names: c.7111C>T, p.Arg2371Trp (NM_000445.5); c.6988C>T, p.Arg2330Trp (NM_201378.4); c.6964C>T, p.Arg2322Trp (NM_201379.3); c.7441C>T, p.Arg2481Trp (NM_201380.4); c.6934C>T, p.Arg2312Trp (NM_201381.3); c.7030C>T, p.Arg2344Trp (NM_201382.4); c.7042C>T, p.Arg2348Trp (NM_201383.3); short protein forms R2330W, R2322W, R2344W, R2371W, R2481W, R2312W, R2348W.
Identifiers: ClinVar variation 1047048 (VCV001047048.5), dbSNP rs782563909, ClinGen allele CA4925778.
Genomic context (GRCh38, chr8:143,922,899, plus strand): 5'-AGCCCTGCGTCTCCTCCGCCAGCTGCTGCGCCATCTGCTCCTTGTCCTCCTGCAGCCGCC[G>A]CGCCTGCTCCTGCGCAAGCTCCTTCTGCTGCTGCAGCAGTTCCGCCTCAGCCTTGAGTCG-3'
Protein context (NP_958786.1, residues 2334-2354): QQKELAQEQA[Arg2344Trp]RLQEDKEQMA

ClinVar aggregate classification (germline): Uncertain significance (1 of 4 stars; one submission).

Conditions:
Epidermolysis bullosa simplex 5B, with muscular dystrophy (EBS5B). Also called: EPIDERMOLYSIS BULLOSA SIMPLEX AND LIMB-GIRDLE MUSCULAR DYSTROPHY; Epidermolysis bullosa simplex with muscular dystrophy. Identifiers: Orphanet 257, MedGen C2931072, MONDO:0009181, OMIM 226670.
Epidermolysis bullosa simplex 5C, with pyloric atresia (EBS5C). Also called: Epidermolysis bullosa simplex with pyloric atresia; PLEC-Related Epidermolysis Bullosa with Pyloric Atresia; PLEC1-Related Epidermolysis Bullosa with Pyloric Atresia. Identifiers: Orphanet 158684, MedGen C2677349, MONDO:0012807, OMIM 612138.
Autosomal recessive limb-girdle muscular dystrophy type 2Q (LGMDR17). Also called: MUSCULAR DYSTROPHY, LIMB-GIRDLE, AUTOSOMAL RECESSIVE 17. Identifiers: Orphanet 254361, MedGen C3150989, MONDO:0013390, OMIM 613723.
Epidermolysis bullosa simplex with nail dystrophy (EBS5D). Identifiers: MedGen C4225309, MONDO:0014661, OMIM 616487.
Epidermolysis bullosa simplex, Ogna type (EBS5A). Also called: Pidermolysis bullosa simplex 5A, Ogna type; EPIDERMOLYSIS BULLOSA SIMPLEX 5A, OGNA TYPE. Identifiers: Orphanet 79401, MedGen C0432317, MONDO:0007555, OMIM 131950.

Allele frequency attached by ClinVar (database versions not stated): gnomAD 0.00001 and 0.00002; TOPMed 0.00001; gnomAD exomes 0.00005 and 0.00007; ExAC 0.00026.
gnomAD v4.1: 74 of 1,589,282 alleles (0.0047%); highest among the groups gnomAD compares: South Asian, 0.066%; 1 homozygote.

Submission:

Labcorp Genetics (formerly Invitae), Labcorp
Classification: Uncertain significance for Autosomal recessive limb-girdle muscular dystrophy type 2Q; Epidermolysis bullosa simplex, Ogna type; Epidermolysis bullosa simplex with nail dystrophy; Epidermolysis bullosa simplex 5C, with pyloric atresia; Epidermolysis bullosa simplex 5B, with muscular dystrophy. Last evaluated: 2025-10-22. Review status: criteria provided, single submitter. Criteria: Invitae Variant Classification Sherloc (09022015). Collection method: clinical testing. Allele origin: germline.
Comment: This sequence change replaces arginine, which is basic and polar, with tryptophan, which is neutral and slightly polar, at codon 2371 of the PLEC protein (p.Arg2371Trp). This variant is present in population databases (rs782563909, gnomAD 0.05%). This variant has not been reported in the literature in individuals affected with PLEC-related conditions. ClinVar contains an entry for this variant (Variation ID: 1047048). An algorithm developed to predict the effect of missense changes on protein structure and function (PolyPhen-2) suggests that this variant is likely to be disruptive. In summary, the available evidence is currently insufficient to determine the role of this variant in disease. Therefore, it has been classified as a Variant of Uncertain Significance.